The following is an entry in ClinVar:

ClinVar aggregate classification (germline): Uncertain significance (1 of 4 stars; one submission).

Conditions:
Heterotopia, periventricular, X-linked dominant (PVNH1). Also called: PERIVENTRICULAR NODULAR HETEROTOPIA 4; HETEROTOPIA, PERIVENTRICULAR, 1; PERIVENTRICULAR NODULAR HETEROTOPIA 1; X-linked periventricular heterotopia. Identifiers: Orphanet 2149, Orphanet 82004, MedGen C1848213, MONDO:0010233, OMIM 300049.
Melnick-Needles syndrome (MNS). Also called: MELNICK-NEEDLES OSTEODYSPLASTY; OSTEODYSPLASTY OF MELNICK AND NEEDLES; Melnick-Needles Syndrome (FLNA-MNS). Identifiers: Orphanet 2484, MedGen C0025237, MONDO:0010650, OMIM 309350.
Frontometaphyseal dysplasia (FMD1). Identifiers: Orphanet 1826, MedGen C0265293, MONDO:0015942.
Oto-palato-digital syndrome, type II (OPD2). Also called: FACIOPALATOOSSEOUS SYNDROME; OPD II SYNDROME; Otopalatodigital Syndrome, Type II; Otopalatodigital Syndrome Type 2 (FLNA-OPD2). Identifiers: Orphanet 669, Orphanet 90652, MedGen C1844696, MONDO:0010571, OMIM 304120.

Submission:

Labcorp Genetics (formerly Invitae), Labcorp
Classification: Uncertain significance for Oto-palato-digital syndrome, type II; Heterotopia, periventricular, X-linked dominant; Frontometaphyseal dysplasia; Melnick-Needles syndrome. Last evaluated: 2025-12-08. Review status: criteria provided, single submitter. Criteria: Invitae Variant Classification Sherloc (09022015). Collection method: clinical testing. Allele origin: germline.
Comment: This sequence change replaces threonine, which is neutral and polar, with serine, which is neutral and polar, at codon 1288 of the FLNA protein (p.Thr1288Ser). This variant is not present in population databases (gnomAD no frequency). This variant has not been reported in the literature in individuals affected with FLNA-related conditions. ClinVar contains an entry for this variant (Variation ID: 1387289). Invitae Evidence Modeling of protein sequence and biophysical properties (such as structural, functional, and spatial information, amino acid conservation, physicochemical variation, residue mobility, and thermodynamic stability) indicates that this missense variant is not expected to disrupt FLNA protein function with a negative predictive value of 95%. In summary, the available evidence is currently insufficient to determine the role of this variant in disease. Therefore, it has been classified as a Variant of Uncertain Significance.

NM_001110556.2(FLNA):c.3863C>G (p.Thr1288Ser)

Gene: FLNA (filamin A; minus strand). Cytogenetic location: Xq28.
Variant type: single nucleotide variant.
Coding change: c.3863C>G on transcript NM_001110556.2 (MANE Select); coding-DNA position 3863, C replaced by G.
Protein change: p.Thr1288Ser; replaces threonine 1288 with serine.
Molecular consequence: missense variant.
Genome position (GRCh38, 1-based): chrX:154,359,848, G>C on the plus strand (C>G on the coding strand, the complement: FLNA is on the minus strand). VCF-style: chrX-154359848-G-C. GRCh37 (hg19) VCF-style: chrX-153588216-G-C.
Other names: c.3863C>G, p.Thr1288Ser (NM_001456.4); short protein forms T1288S.
Identifiers: ClinVar variation 1387289 (VCV001387289.6), dbSNP rs2148111768, ClinGen allele CA415222201.